The following is an entry in ClinVar:

ClinVar aggregate classification (germline): Uncertain significance. Review status: criteria provided, multiple submitters, no conflicts (2 of 4 stars). 2 submissions from 2 submitters: Uncertain significance (2). Last evaluated 2026-05-12.

Conditions:
NOTCH2-related disorder. Also called: NOTCH2-related condition.
Hajdu-Cheney syndrome (HJCYS). Also called: Acroosteolysis dominant type; SERPENTINE FIBULA-POLYCYSTIC KIDNEY SYNDROME; ACROOSTEOLYSIS WITH OSTEOPOROSIS AND CHANGES IN SKULL AND MANDIBLE. Identifiers: Orphanet 955, MedGen C0917715, MONDO:0007057, OMIM 102500.

Allele frequency attached by ClinVar (database versions not stated): gnomAD exomes 0.00001; TOPMed 0.00001.

Submissions (2):

PreventionGenetics, part of Exact Sciences
Classification: Uncertain significance for NOTCH2-related condition. Last evaluated: 2026-05-12. Review status: criteria provided, single submitter. Criteria: ACMG Guidelines, 2015. Collection method: clinical testing. Allele origin: germline.
Comment: The NOTCH2 c.4798A>G variant is predicted to result in the amino acid substitution p.Met1600Val. To our knowledge, this variant has not been reported in the literature. This variant is reported in 0.0018% of alleles in individuals of European (Non-Finnish) descent in gnomAD. At this time, the clinical significance of this variant is uncertain due to the absence of conclusive functional and genetic evidence.

Labcorp Genetics (formerly Invitae), Labcorp
Classification: Uncertain significance for Hajdu-Cheney syndrome. Last evaluated: 2025-12-01. Review status: criteria provided, single submitter. Criteria: Invitae Variant Classification Sherloc (09022015). Collection method: clinical testing. Allele origin: germline.
Comment: This sequence change replaces methionine, which is neutral and non-polar, with valine, which is neutral and non-polar, at codon 1600 of the NOTCH2 protein (p.Met1600Val). This variant is present in population databases (no rsID available, gnomAD 0.002%). This variant has not been reported in the literature in individuals affected with NOTCH2-related conditions. ClinVar contains an entry for this variant (Variation ID: 2798600). Invitae Evidence Modeling of protein sequence and biophysical properties (such as structural, functional, and spatial information, amino acid conservation, physicochemical variation, residue mobility, and thermodynamic stability) indicates that this missense variant is not expected to disrupt NOTCH2 protein function with a negative predictive value of 80%. In summary, the available evidence is currently insufficient to determine the role of this variant in disease. Therefore, it has been classified as a Variant of Uncertain Significance.

NM_024408.4(NOTCH2):c.4798A>G (p.Met1600Val)

Gene: NOTCH2 (notch receptor 2; minus strand). Cytogenetic location: 1p12.
Variant type: single nucleotide variant.
Coding change: c.4798A>G on transcript NM_024408.4 (MANE Select); coding-DNA position 4798, A replaced by G.
Protein change: p.Met1600Val; replaces methionine 1600 with valine.
Molecular consequence: missense variant.
Genome position (GRCh38, 1-based): chr1:119,923,698, T>C on the plus strand (A>G on the coding strand, the complement: NOTCH2 is on the minus strand). VCF-style: chr1-119923698-T-C. GRCh37 (hg19) VCF-style: chr1-120466321-T-C.
Other names: c.4798A>G (NM_024408.3); short protein forms M1600V.
Identifiers: ClinVar variation 2798600 (VCV002798600.4), dbSNP rs1408012970, ClinGen allele CA341888581.